The following is an entry in ClinVar:

ClinVar aggregate classification (germline): Uncertain significance. Review status: criteria provided, multiple submitters, no conflicts (2 of 4 stars). 3 submissions from 3 submitters: Uncertain significance (3). Last evaluated 2023-12-05.

Conditions:
Long QT syndrome (LQTS). Identifiers: MedGen C0023976, MeSH D008133, MONDO:0002442. Disease mechanism: loss of function. Inheritance: Various modes of inheritance.
Cardiovascular phenotype. Identifiers: MedGen CN230736.
Cardiac arrhythmia. Also called: Cardiac rhythm disease; Arrhythmia. Identifiers: MedGen C0003811, MONDO:0007263, HP:0011675.

Submissions (3):

Color Diagnostics, LLC DBA Color Health
Classification: Uncertain significance for Cardiac arrhythmia. Last evaluated: 2023-12-05. Review status: criteria provided, single submitter. Criteria: ACMG Guidelines, 2015. Collection method: clinical testing. Allele origin: germline.
Comment: This missense variant replaces leucine with phenylalanine at codon 1127 of the KCNH2 protein. Computational prediction tools and conservation analyses are inconclusive regarding the impact of this variant on the protein function. Computational splicing tools suggest that this variant may not impact RNA splicing. To our knowledge, functional assays have not been performed for this variant nor has this variant been reported in individuals affected with cardiovascular disorders in the literature. This variant has not been identified in the general population by the Genome Aggregation Database (gnomAD). Available evidence is insufficient to determine the role of this variant in disease conclusively. Therefore, this variant is classified as a Variant of Uncertain Significance.

Ambry Genetics
Classification: Uncertain significance for Cardiovascular phenotype. Last evaluated: 2023-11-13. Review status: criteria provided, single submitter. Criteria: Ambry Variant Classification Scheme 2023. Collection method: clinical testing. Allele origin: germline.
Comment: The p.L1127F variant (also known as c.3379C>T), located in coding exon 15 of the KCNH2 gene, results from a C to T substitution at nucleotide position 3379. The leucine at codon 1127 is replaced by phenylalanine, an amino acid with highly similar properties. This amino acid position is well conserved in available vertebrate species. In addition, the in silico prediction for this alteration is inconclusive. Since supporting evidence is limited at this time, the clinical significance of this alteration remains unclear.

Labcorp Genetics (formerly Invitae), Labcorp
Classification: Uncertain significance for Long QT syndrome. Last evaluated: 2022-03-02. Review status: criteria provided, single submitter. Criteria: Invitae Variant Classification Sherloc (09022015). Collection method: clinical testing. Allele origin: germline.
Comment: This variant has not been reported in the literature in individuals affected with KCNH2-related conditions. In summary, the available evidence is currently insufficient to determine the role of this variant in disease. Therefore, it has been classified as a Variant of Uncertain Significance. Algorithms developed to predict the effect of missense changes on protein structure and function are either unavailable or do not agree on the potential impact of this missense change (SIFT: "Tolerated"; PolyPhen-2: "Possibly Damaging"; Align-GVGD: "Class C0"). ClinVar contains an entry for this variant (Variation ID: 923705). This variant is not present in population databases (gnomAD no frequency). This sequence change replaces leucine, which is neutral and non-polar, with phenylalanine, which is neutral and non-polar, at codon 1127 of the KCNH2 protein (p.Leu1127Phe).

NM_000238.4(KCNH2):c.3379C>T (p.Leu1127Phe)

Gene: KCNH2 (potassium voltage-gated channel subfamily H member 2; minus strand). Cytogenetic location: 7q36.1.
Variant type: single nucleotide variant.
Coding change: c.3379C>T on transcript NM_000238.4 (MANE Select); coding-DNA position 3379, C replaced by T.
Protein change: p.Leu1127Phe; replaces leucine 1127 with phenylalanine.
Molecular consequence: missense variant.
Genome position (GRCh38, 1-based): chr7:150,945,466, G>A on the plus strand (C>T on the coding strand, the complement: KCNH2 is on the minus strand). VCF-style: chr7-150945466-G-A. GRCh37 (hg19) VCF-style: chr7-150642554-G-A.
Other names: c.2359C>T, p.Leu787Phe (NM_172057.3); short protein forms L1127F, L787F.
Identifiers: ClinVar variation 923705 (VCV000923705.13), dbSNP rs1800856518, ClinGen allele CA369851531.
Genomic context (GRCh38, chr7:150,945,466, plus strand): 5'-AGGTGAGGGCCCCCAGCTGGCCCGGTAGGGAGAGGCGTCGTGTGGGGCCTTCTTGGGGAA[G>A]CTCTGGGGCCCCCGGGGGCAGCTCCTCACACGCCATGAACTGGGAAACCTGCAATACACA-3'
Protein context (NP_000229.1, residues 1117-1137): CEELPPGAPE[Leu1127Phe]PQEGPTRRLS